The following is an entry in ClinVar:

ClinVar aggregate classification (germline): Uncertain significance. Review status: criteria provided, multiple submitters, no conflicts (2 of 4 stars). 3 submissions from 3 submitters: Uncertain significance (3). Last evaluated 2025-08-05.

Conditions:
Sucrase-isomaltase deficiency (CSID). Also called: Deficiency of isomaltase; SI DEFICIENCY; Congenital sucrose isomaltose malabsorption; Sucrose isomaltose enzyme deficiency. Identifiers: Orphanet 35122, MedGen C1283620, MONDO:0009114, OMIM 222900.
Inborn genetic diseases. Identifiers: MedGen C0950123, MeSH D030342.

Allele frequency attached by ClinVar (database versions not stated): gnomAD exomes 0.00001 and 0.00003; ExAC 0.00002; gnomAD 0.00002 and 0.00003; TOPMed 0.00003; ESP Exome Variant Server 0.00008.

Submissions (3):

Ambry Genetics
Classification: Uncertain significance for Inborn genetic diseases. Last evaluated: 2025-08-05. Review status: criteria provided, single submitter. Criteria: Ambry Variant Classification Scheme 2023. Collection method: clinical testing. Allele origin: germline.

Labcorp Genetics (formerly Invitae), Labcorp
Classification: Uncertain significance. Last evaluated: 2024-10-30. Review status: criteria provided, single submitter. Criteria: Invitae Variant Classification Sherloc (09022015). Collection method: clinical testing. Allele origin: germline.
Comment: This sequence change replaces arginine, which is basic and polar, with glutamine, which is neutral and polar, at codon 263 of the SI protein (p.Arg263Gln). This variant is present in population databases (rs143135955, gnomAD 0.009%). This variant has not been reported in the literature in individuals affected with SI-related conditions. ClinVar contains an entry for this variant (Variation ID: 1413379). Invitae Evidence Modeling of protein sequence and biophysical properties (such as structural, functional, and spatial information, amino acid conservation, physicochemical variation, residue mobility, and thermodynamic stability) has been performed for this missense variant. However, the output from this modeling did not meet the statistical confidence thresholds required to predict the impact of this variant on SI protein function. In summary, the available evidence is currently insufficient to determine the role of this variant in disease. Therefore, it has been classified as a Variant of Uncertain Significance.

Fulgent Genetics
Classification: Uncertain significance for Sucrase-isomaltase deficiency. Last evaluated: 2022-03-18. Review status: criteria provided, single submitter. Criteria: ACMG Guidelines, 2015. Collection method: clinical testing. Allele origin: unknown.

NM_001041.4(SI):c.788G>A (p.Arg263Gln)

Gene: SI (sucrase-isomaltase; minus strand). Cytogenetic location: 3q26.1.
Variant type: single nucleotide variant.
Coding change: c.788G>A on transcript NM_001041.4 (MANE Select); coding-DNA position 788, G replaced by A.
Protein change: p.Arg263Gln; replaces arginine 263 with glutamine.
Molecular consequence: missense variant.
Genome position (GRCh38, 1-based): chr3:165,065,280, C>T on the plus strand (G>A on the coding strand, the complement: SI is on the minus strand). VCF-style: chr3-165065280-C-T. GRCh37 (hg19) VCF-style: chr3-164783068-C-T.
Other names: c.788G>A (NM_001041.3); short protein forms R263Q.
Identifiers: ClinVar variation 1413379 (VCV001413379.6), dbSNP rs143135955, ClinGen allele CA2691329.